The following is an entry in ClinVar:

NM_014905.5(GLS):c.37C>T (p.Leu13=)

Gene: GLS (glutaminase; plus strand). Cytogenetic location: 2q32.2.
Variant type: single nucleotide variant.
Coding change: c.37C>T on transcript NM_014905.5 (MANE Select); coding-DNA position 37, C replaced by T.
Protein change: p.Leu13=; no amino-acid change (leucine 13 retained).
Molecular consequence: synonymous variant.
Genome position (GRCh38, 1-based): chr2:190,881,121, C>T. VCF-style: chr2-190881121-C-T. GRCh37 (hg19) VCF-style: chr2-191745847-C-T.
Other names: c.37C>T, p.Leu13= (NM_001256310.2, NM_001437282.1, NM_001437283.1).
Identifiers: ClinVar variation 4281209 (VCV004281209.7).
Genomic context (GRCh38, chr2:190,881,121, plus strand): 5'-GCGGGCGCTGACGGACCCGGCGGCATGATGCGGCTGCGAGGCTCGGGGATGCTGCGGGAC[C>T]TGCTCCTGCGGTCGCCCGCCGGCGTGAGCGCGACTCTGCGGCGGGCACAGCCCTTGGTCA-3'
Protein context (NP_055720.3, residues 3-23): RLRGSGMLRD[Leu13=]LLRSPAGVSA

ClinVar aggregate classification (germline): Likely benign (1 of 4 stars; one submission).

gnomAD v4.1: 113 of 1,561,068 alleles (0.0072%); highest among the groups gnomAD compares: African/African-American, 0.012%; no homozygotes.

Submission:

CeGaT Center for Human Genetics Tuebingen
Classification: Likely benign. Last evaluated: 2025-09-01. Review status: criteria provided, single submitter. Criteria: CeGaT Center For Human Genetics Tuebingen Variant Classification Criteria Version 2. Collection method: clinical testing. Allele origin: germline. Affected: yes. Observed: 1 variant allele.
Comment: GLS: BP4, BP7